The following is an entry in ClinVar:

ClinVar aggregate classification (germline): Pathogenic/Likely pathogenic. Review status: criteria provided, multiple submitters, no conflicts (2 of 4 stars). 11 submissions from 11 submitters: Pathogenic (4); Likely pathogenic (5). 2 of the submissions do not count toward it. Last evaluated 2026-01-28.

Conditions:
PALB2-related disorder. Also called: PALB2-related condition; PALB2-related disorders.
Hereditary cancer-predisposing syndrome. Also called: Tumor predisposition; Neoplastic Syndromes, Hereditary; Hereditary neoplastic syndrome; Hereditary Cancer Syndrome. Identifiers: Orphanet 140162, MedGen C0027672, MeSH D009386, MONDO:0015356.
Familial cancer of breast. Also called: BREAST CANCER, FAMILIAL; Hereditary breast cancer; hereditary breast carcinoma. Identifiers: Orphanet 227535, MedGen C0346153, MONDO:0016419, OMIM 114480. Disease mechanism: loss of function.

Allele frequency attached by ClinVar (database versions not stated): gnomAD exomes below 0.00001; TOPMed 0.00001.
gnomAD v4.1: 1 of 1,609,296 alleles (0.000062%); highest among the groups gnomAD compares: Non-Finnish European, 0.000085%; no homozygotes.

Submissions (11):

Labcorp Genetics (formerly Invitae), Labcorp
Classification: Pathogenic for Familial cancer of breast. Last evaluated: 2026-01-28. Review status: criteria provided, single submitter. Criteria: Invitae Variant Classification Sherloc (09022015). Collection method: clinical testing. Allele origin: germline.
Comment: This sequence change affects a donor splice site in intron 11 of the PALB2 gene. RNA analysis indicates that disruption of this splice site induces altered splicing and may result in an absent or altered protein product. This variant is not present in population databases (gnomAD no frequency). Disruption of this splice site has been observed in individual(s) with clinical features of PALB2-related conditions (PMID: 22241545, 25099575, 28888541, 29753700, 32081490). This variant is also known as c.3202+1G>C. ClinVar contains an entry for this variant (Variation ID: 143972). Studies have shown that disruption of this splice site alters mRNA splicing and is expected to lead to the loss of protein expression (PMID: 34846068; internal data). For these reasons, this variant has been classified as Pathogenic.

PreventionGenetics, part of Exact Sciences
Classification: Likely pathogenic for PALB2-related condition. Last evaluated: 2026-01-13. Review status: criteria provided, single submitter. Criteria: ACMG Guidelines, 2015. Collection method: clinical testing. Allele origin: germline.
Comment: The PALB2 c.3201+1G>C variant is predicted to disrupt the GT donor site and interfere with normal splicing. This variant has been reported in individuals with breast cancer (Antoniou et al. 2014. PubMed ID: 25099575; Tischkowitz et al. 2012. PubMed ID: 22241545), an individual with uveal melanoma and renal cell carcinoma (Table 2, Abdel-Rahman et al. 2020. PubMed ID: 32081490), an individual with ovarian cancer (Table S7, Lilyquist et al. 2017. PubMed ID: 28888541), and an individual with medulloblastoma (Table S2, Waszak et al. 2018. PubMed ID: 29753700 ). This variant has not been reported in gnomAD and is interpreted as pathogenic and likely pathogenic by the vast majority of submitters in ClinVar (Variation ID: 143972). Variants that disrupt the consensus splice donor site in PALB2 are expected to be pathogenic. This variant is interpreted as likely pathogenic.

Ambry Genetics
Classification: Likely pathogenic for Hereditary cancer-predisposing syndrome. Last evaluated: 2025-06-26. Review status: criteria provided, single submitter. Criteria: Ambry Variant Classification Scheme 2023. Collection method: clinical testing. Allele origin: germline.
Comment: The c.3201+1G>C intronic variant results from a G to C substitution one nucleotide after coding exon 11 of the PALB2 gene. This alteration has been detected in multiple families with hereditary breast cancer (Tischkowitz M et al. Hum. Mutat., 2012 Apr;33:674-80; Antoniou AC et al. N. Engl. J. Med., 2014 Aug;371:497-506). This nucleotide position is highly conserved in available vertebrate species. In silico splice site analysis predicts that this alteration will weaken the native splice donor site. RNA studies have demonstrated that this alteration results in abnormal splicing in the set of samples tested (Ambry internal data). This variant is considered to be rare based on population cohorts in the Genome Aggregation Database (gnomAD). In addition to the clinical data presented in the literature, alterations that disrupt the canonical splice site are expected to cause aberrant splicing, resulting in an abnormal protein or a transcript that is subject to nonsense-mediated mRNA decay. As such, this alteration is classified as likely pathogenic.

Illumina Laboratory Services, Illumina
Classification: Pathogenic for Hereditary cancer-predisposing syndrome. Last evaluated: 2024-11-22. Review status: criteria provided, single submitter. Criteria: ICSLVariantClassificationCriteria RUGD 01 April 2020. Collection method: clinical testing. Allele origin: unknown.
Comment: The PALB2 c.3201+1G>C variant occurs in a canonical splice site (donor) and is therefore predicted to disrupt or distort the normal gene product. This variant, also referred to as c.3202+1G>C, has been reported in a heterozygous state in one individual with contralateral breast cancer (Tischkowitz et al. 2012). In addition, a variant at the same position, but with a different nucleotide change (c.3201+1G>T) was detected in a heterozygous state in an individual with hereditary diffuse gastric cancer (Sahasrabudhe et al. 2017). Family histories of the respective cancers were also reported for both individuals in first- and/or second- degree relatives (Tischkowitz et al. 2012; Sahasrabudhe et al. 2017). This variant is not observed at a significant frequency in version 4.0.0 of the Genome Aggregation Database. Based on the evidence he c.3201+1G>C variant is classified as pathogenic for PALB2-related disorders.

GeneDx
Classification: Likely pathogenic. Last evaluated: 2024-07-15. Review status: criteria provided, single submitter. Criteria: GeneDx Variant Classification Process June 2021. Collection method: clinical testing. Allele origin: germline. Affected: yes.
Comment: Canonical splice site variant predicted to result in a null allele in a gene for which loss-of-function is a known mechanism of disease; Not observed at significant frequency in large population cohorts (gnomAD); Observed in individuals with bilateral breast cancer, ovarian cancer, and other cancers (PMID: 28888541, 22241545, 25099575, 32081490); This variant is associated with the following publications: (PMID: 23935381, 22241545, 25099575, 28152038, 32081490, 29753700, 30890586, 36497448, 28888541)

Myriad Genetics, Inc.
Classification: Likely pathogenic for Familial cancer of breast. Last evaluated: 2023-09-14. Review status: criteria provided, single submitter. Criteria: Myriad Autosomal Dominant, Autosomal Recessive and X-Linked Classification Criteria (2023). Collection method: clinical testing. Allele origin: unknown.
Comment: This variant is considered likely pathogenic. This variant occurs within a consensus splice junction and is predicted to result in abnormal mRNA splicing of either an out-of-frame exon or an in-frame exon necessary for protein stability and/or normal function.

Baylor Genetics
Classification: Pathogenic for Familial cancer of breast. Last evaluated: 2022-05-30. Review status: criteria provided, single submitter. Criteria: ACMG Guidelines, 2015. Collection method: clinical testing. Allele origin: unknown.

Color Diagnostics, LLC DBA Color Health
Classification: Likely pathogenic for Hereditary cancer-predisposing syndrome. Last evaluated: 2021-12-28. Review status: criteria provided, single submitter. Criteria: ACMG Guidelines, 2015. Collection method: clinical testing. Allele origin: germline.
Comment: This variant causes a G>C nucleotide substitution at the +1 position of intron 11 of the PALB2 gene. Splice site prediction tools predict that this variant may have a significant impact on RNA splicing. Although this prediction has not been confirmed in published RNA studies, this variant is expected to result in an absent or disrupted protein product. This variant has been reported in individuals affected with breast cancer (PMID: 22241545, 23935381) and gastric cancer (PMID: 28024868). Additionally, this variant has been reported in individuals affected with medulloblastoma, uveal melanoma and renal cell carcinoma (PMID: 29753700, 32081490). This variant has not been identified in the general population by the Genome Aggregation Database (gnomAD). Loss of PALB2 function is a known mechanism of disease. Based on the available evidence, this variant is classified as Likely Pathogenic.

Quest Diagnostics Nichols Institute San Juan Capistrano
Classification: Pathogenic. Last evaluated: 2020-01-22. Review status: criteria provided, single submitter. Criteria: Quest Diagnostics criteria. Collection method: clinical testing. Allele origin: unknown.
Comment: The variant disrupts a canonical splice site, and is therefore predicted to result in the loss of a functional protein. Found in at least one patient with expected phenotype for this gene, and not found in general population data.

Leiden Open Variation Database
Classification: Pathogenic for Familial cancer of breast. Last evaluated: 2019-05-13. Review status: no assertion criteria provided. Collection method: curation. Allele origin: germline. Affected: yes. Not counted in ClinVar's aggregate classification.
Comment: Curators: Marc Tischkowitz, Arleen D. Auerbach. Submitter to LOVD: Marc Tischkowitz.

SNPedia
Classification: Pathogenic. Review status: no assertion criteria provided. Collection method: not provided. Allele origin: germline. Not counted in ClinVar's aggregate classification.
ClinVar note: Converted during submission from pathogenic to Pathogenic.

Literature cited by the submitters: PubMed 22241545 (cited by 4 submitters); PubMed 25099575 (cited by 4 submitters); PubMed 28888541 (cited by Labcorp Genetics (formerly Invitae), Labcorp); PubMed 29753700 (cited by 4 submitters); PubMed 32081490 (cited by Labcorp Genetics (formerly Invitae), Labcorp and Color Diagnostics, LLC DBA Color Health); PubMed 34846068 (cited by Labcorp Genetics (formerly Invitae), Labcorp); PubMed 30890586 (cited by Ambry Genetics); PubMed 23935381 (cited by Color Diagnostics, LLC DBA Color Health); PubMed 28024868 (cited by Color Diagnostics, LLC DBA Color Health).

NM_024675.4(PALB2):c.3201+1G>C

Gene: PALB2 (partner and localizer of BRCA2; minus strand). Cytogenetic location: 16p12.2.
Variant type: single nucleotide variant.
Coding change: c.3201+1G>C on transcript NM_024675.4 (MANE Select); the canonical splice donor site of the intron after coding-DNA position 3201, G replaced by C.
Molecular consequence: splice donor variant. On other transcripts: intron variant (3).
Genome position (GRCh38, 1-based): chr16:23,614,003, C>G on the plus strand (G>C on the coding strand, the complement: PALB2 is on the minus strand). VCF-style: chr16-23614003-C-G. GRCh37 (hg19) VCF-style: chr16-23625324-C-G.
Other names: c.2228+7359G>C (NM_001407308.1, NM_001407309.1); c.2316+1G>C (NM_001407306.1, NM_001407311.1, NM_001407305.1 and 2 more transcripts); c.735+1G>C (NM_001407314.1); c.1413+1G>C (NM_001407313.1, NM_001407312.1); c.3141+1G>C (NM_001407296.1); c.3129+1G>C (NM_001407297.1); c.3039+1G>C (NM_001407302.1, NM_001407298.1); c.2922+1G>C (NM_001407300.1); and 3 more.
Identifiers: ClinVar variation 143972 (VCV000143972.36), dbSNP rs587776423, ClinGen allele CA191641.